The following is an entry in ClinVar:

ClinVar aggregate classification (germline): Uncertain significance (1 of 4 stars; one submission).

Submission:

Labcorp Genetics (formerly Invitae), Labcorp
Classification: Uncertain significance. Last evaluated: 2023-06-05. Review status: criteria provided, single submitter. Criteria: Invitae Variant Classification Sherloc (09022015). Collection method: clinical testing. Allele origin: germline.
Comment: An algorithm developed to predict the effect of missense changes on protein structure and function (PolyPhen-2) suggests that this variant is likely to be disruptive. In summary, the available evidence is currently insufficient to determine the role of this variant in disease. Therefore, it has been classified as a Variant of Uncertain Significance. This variant has not been reported in the literature in individuals affected with GINS1-related conditions. This sequence change replaces leucine, which is neutral and non-polar, with valine, which is neutral and non-polar, at codon 33 of the GINS1 protein (p.Leu33Val). This variant is not present in population databases (gnomAD no frequency).

NM_021067.5(GINS1):c.97C>G (p.Leu33Val)

Gene: GINS1 (GINS complex subunit 1; plus strand). Cytogenetic location: 20p11.21.
Variant type: single nucleotide variant.
Coding change: c.97C>G on transcript NM_021067.5 (MANE Select); coding-DNA position 97, C replaced by G.
Protein change: p.Leu33Val; replaces leucine 33 with valine.
Molecular consequence: missense variant. On other transcripts: non-coding transcript variant (1), intron variant (1).
Genome position (GRCh38, 1-based): chr20:25,413,811, C>G. VCF-style: chr20-25413811-C-G. GRCh37 (hg19) VCF-style: chr20-25394447-C-G.
Other names: c.97C>G, p.Leu33Val (NM_001410830.1); c.75+5916C>G (NM_001410831.1); short protein forms L33V.
Identifiers: ClinVar variation 2772505 (VCV002772505.3), dbSNP rs2516019663, ClinGen allele CA408446976.